The following is an entry in ClinVar:

ClinVar aggregate classification (germline): Conflicting classifications of pathogenicity. Review status: criteria provided, conflicting classifications (1 of 4 stars). 3 submissions from 3 submitters: Uncertain significance (1); Benign (1). 1 of the submissions does not count toward it. Last evaluated 2026-02-02.

Conditions:
Thyroid dyshormonogenesis 6 (TDH6). Also called: THYROID HORMONOGENESIS, GENETIC DEFECT IN, 6; Genetic transient congenital hypothyroidism; HYPOTHYROIDISM, CONGENITAL, DUE TO DYSHORMONOGENESIS, 6. Identifiers: Orphanet 226316, Orphanet 95716, MedGen C1846632, MONDO:0011792, OMIM 607200.
DUOX2-related disorder. Also called: DUOX2-related condition.

Allele frequency attached by ClinVar (database versions not stated): ESP Exome Variant Server 0.00008; gnomAD 0.00056 and 0.00163; TOPMed 0.00081; ExAC 0.00437; 1000 Genomes Project 0.01098; 1000 Genomes Project 30x 0.01140.
gnomAD v4.1: 2,617 of 1,612,836 alleles (0.16%); highest among the groups gnomAD compares: South Asian, 2.1%; 49 homozygotes.

Submissions (3):

Labcorp Genetics (formerly Invitae), Labcorp
Classification: Benign. Last evaluated: 2026-02-02. Review status: criteria provided, single submitter. Criteria: Invitae Variant Classification Sherloc (09022015). Collection method: clinical testing. Allele origin: germline.

Illumina Laboratory Services, Illumina
Classification: Uncertain significance for Thyroid dyshormonogenesis 6. Last evaluated: 2018-01-13. Review status: criteria provided, single submitter. Criteria: ICSL Variant Classification Criteria 13 December 2019. Collection method: clinical testing. Allele origin: germline.

PreventionGenetics, part of Exact Sciences
Classification: Benign for DUOX2-related condition. Last evaluated: 2019-09-06. Review status: no assertion criteria provided. Collection method: clinical testing. Allele origin: germline. Not counted in ClinVar's aggregate classification.
Comment: This variant is classified as benign based on ACMG/AMP sequence variant interpretation guidelines (Richards et al. 2015 PMID: 25741868, with internal and published modifications).

NM_001363711.2(DUOX2):c.243G>A (p.Pro81=)

Gene: DUOX2 (dual oxidase 2; minus strand). Cytogenetic location: 15q21.1.
Variant type: single nucleotide variant.
Coding change: c.243G>A on transcript NM_001363711.2 (MANE Select); coding-DNA position 243, G replaced by A.
Protein change: p.Pro81=; no amino-acid change (proline 81 retained).
Molecular consequence: synonymous variant.
Genome position (GRCh38, 1-based): chr15:45,112,636, C>T on the plus strand (G>A on the coding strand, the complement: DUOX2 is on the minus strand). VCF-style: chr15-45112636-C-T. GRCh37 (hg19) VCF-style: chr15-45404834-C-T.
Other names: c.243G>A, p.Pro81= (NM_014080.5).
Identifiers: ClinVar variation 316193 (VCV000316193.17), dbSNP rs369158930, ClinGen allele CA7539060.